The following is an entry in ClinVar:

NM_014423.4(AFF4):c.2396+5G>A

Gene: AFF4 (ALF transcription elongation factor 4; minus strand). Cytogenetic location: 5q31.1.
Variant type: single nucleotide variant.
Coding change: c.2396+5G>A on transcript NM_014423.4 (MANE Select); 5 bases into the intron after coding-DNA position 2396, G replaced by A.
Molecular consequence: intron variant.
Genome position (GRCh38, 1-based): chr5:132,893,025, C>T on the plus strand (G>A on the coding strand, the complement: AFF4 is on the minus strand). VCF-style: chr5-132893025-C-T. GRCh37 (hg19) VCF-style: chr5-132228717-C-T.
Identifiers: ClinVar variation 2903392 (VCV002903392.4), dbSNP rs778701766, ClinGen allele CA3408943.

ClinVar aggregate classification (germline): Uncertain significance (1 of 4 stars; one submission).

Conditions:
Cognitive impairment - coarse facies - heart defects - obesity - pulmonary involvement - short stature - skeletal dysplasia syndrome. Also called: AFF4-Related CHOPS Syndrome; COGNITIVE IMPAIRMENT, COARSE FACIES, HEART DEFECTS, OBESITY, PULMONARY INVOLVEMENT, SHORT STATURE, AND SKELETAL DYSPLASIA; Chops syndrome. Identifiers: Orphanet 444077, MedGen C4085597, MONDO:0014609, OMIM 616368.

gnomAD v4.1: 6 of 1,613,592 alleles (0.00037%); highest among the groups gnomAD compares: Non-Finnish European, 0.00042%; no homozygotes.

Submissions (2):

Labcorp Genetics (formerly Invitae), Labcorp
Classification: Uncertain significance for Cognitive impairment - coarse facies - heart defects - obesity - pulmonary involvement - short stature - skeletal dysplasia syndrome. Last evaluated: 2023-08-08. Review status: criteria provided, single submitter. Criteria: Invitae Variant Classification Sherloc (09022015). Collection method: clinical testing. Allele origin: germline.
Comment: Variants that disrupt the consensus splice site are a relatively common cause of aberrant splicing (PMID: 17576681, 9536098). Algorithms developed to predict the effect of sequence changes on RNA splicing suggest that this variant may disrupt the consensus splice site. This sequence change falls in intron 12 of the AFF4 gene. It does not directly change the encoded amino acid sequence of the AFF4 protein. It affects a nucleotide within the consensus splice site. This variant is present in population databases (rs778701766, gnomAD 0.0009%). This variant has not been reported in the literature in individuals affected with AFF4-related conditions. In summary, the available evidence is currently insufficient to determine the role of this variant in disease. Therefore, it has been classified as a Variant of Uncertain Significance.

Dr. Peter K. Rogan Lab, Western University
No classification provided (evidence only). Condition: Gastric cancer. Review status: no classification provided. Collection method: in vitro. Allele origin: not applicable. Functional consequence: retained intron. Not counted in ClinVar's aggregate classification.

Literature cited by the submitters: PubMed 17576681 (cited by Labcorp Genetics (formerly Invitae), Labcorp); PubMed 9536098 (cited by Labcorp Genetics (formerly Invitae), Labcorp).